The following is an entry in ClinVar:

ClinVar aggregate classification (germline): Likely pathogenic (1 of 4 stars; one submission).

Conditions:
Long QT syndrome (LQTS). Identifiers: MedGen C0023976, MeSH D008133, MONDO:0002442. Disease mechanism: loss of function. Inheritance: Various modes of inheritance.

Submission:

Labcorp Genetics (formerly Invitae), Labcorp
Classification: Likely pathogenic for Long QT syndrome. Last evaluated: 2018-06-20. Review status: criteria provided, single submitter. Criteria: Invitae Variant Classification Sherloc (09022015). Collection method: clinical testing. Allele origin: germline.
Comment: Loss-of-function variants in KCNH2 are known to be pathogenic (PMID: 19862833). This variant is a gross deletion of the genomic region encompassing part of exon 4 (c.910_916+11del) of the KCNH2 gene. It is expected to disrupt RNA splicing and likely results in an absent or disrupted protein product. While this variant is not present in population databases, the frequency information is unreliable, as metrics indicate poor data quality at this position in the ExAC database. This variant has not been reported in the literature in individuals with KCNH2-related disease. In summary, the currently available evidence indicates that the variant is pathogenic, but additional data are needed to prove that conclusively. Therefore, this variant has been classified as Likely Pathogenic.

Literature cited by the submitters: PubMed 19862833.

NM_000238.4(KCNH2):c.910_916+11del

Gene: KCNH2 (potassium voltage-gated channel subfamily H member 2; minus strand). Cytogenetic location: 7q36.1.
Variant type: Deletion.
Coding change: c.910_916+11del on transcript NM_000238.4 (MANE Select); coding-DNA position 910 through 11 bases into the intron after coding-DNA position 916, 18 bases deleted (AGCACCGGTGAGGGCGCC).
Molecular consequence: splice donor variant.
Genome position (GRCh38, 1-based): chr7:150,958,048-150,958,065, GGCGCCCTCACCGGTGCT deleted on the plus strand (AGCACCGGTGAGGGCGCC on the coding strand, the reverse complement: KCNH2 is on the minus strand); deleting any 18 consecutive bases within chr7:150,958,048-150,958,069 gives the same sequence; the c. name uses the placement nearest the transcript's 3' end. VCF-style (leftmost placement, unchanged base first): chr7-150958047-CGGCGCCCTCACCGGTGCT-C. GRCh37 (hg19) VCF-style: chr7-150655135-CGGCGCCCTCACCGGTGCT-C.
Other names: c.622_628+11del (NM_001406753.1, NM_001406756.1); c.910_916+11del (NM_172056.3); c.733_739+11del (NM_001406755.1); c.610_616+11del (NM_001406757.1); c.910_916+11delAGCACCGGTGAGGGCGCC (NM_000238.3).
Identifiers: ClinVar variation 582292 (VCV000582292.11), dbSNP rs1563169296, ClinGen allele CA891843378.
Genomic context (GRCh38, chr7:150,958,047, plus strand): 5'-GCCCAGAATGCAGCAAGCCTGGCAGCAGAAGAAGCGTGGGCTGGGGCGGAACGGGTCCCG[CGGCGCCCTCACCGGTGCT>C]GGCGTGGCGCGGTGGCGGGGGCAGCACCCCGGCGCGCATGGCCTCGATGTCGTCGGCCGA-3'